The following is an entry in ClinVar:

NM_013275.6(ANKRD11):c.-2C>T

Gene: ANKRD11 (ankyrin repeat domain 11; minus strand). Cytogenetic location: 16q24.3.
Variant type: single nucleotide variant.
Coding change: c.-2C>T on transcript NM_013275.6 (MANE Select); 2 bases upstream of the start codon, C replaced by T.
Molecular consequence: 5 prime UTR variant. On other transcripts: non-coding transcript variant (1).
Genome position (GRCh38, 1-based): chr16:89,317,021, G>A on the plus strand (C>T on the coding strand, the complement: ANKRD11 is on the minus strand). VCF-style: chr16-89317021-G-A. GRCh37 (hg19) VCF-style: chr16-89383429-G-A.
Other names: c.-2C>T (NM_001256182.2, NM_001256183.2).
Identifiers: ClinVar variation 1798658 (VCV001798658.25), dbSNP rs756684707, ClinGen allele CA2241622656.

ClinVar aggregate classification (germline): Uncertain significance. Review status: criteria provided, multiple submitters, no conflicts (2 of 4 stars). 2 submissions from 2 submitters: Uncertain significance (2). Last evaluated 2023-11-01.

Conditions:
Inborn genetic diseases. Identifiers: MedGen C0950123, MeSH D030342.

gnomAD v4.1: 3 of 1,612,868 alleles (0.00019%); highest among the groups gnomAD compares: South Asian, 0.0011%; no homozygotes.

Submissions (2):

CeGaT Center for Human Genetics Tuebingen
Classification: Uncertain significance. Last evaluated: 2023-11-01. Review status: criteria provided, single submitter. Criteria: CeGaT Center For Human Genetics Tuebingen Variant Classification Criteria Version 2. Collection method: clinical testing. Allele origin: germline. Affected: yes. Observed: 1 variant allele.
Comment: ANKRD11: PM2, BP4

Ambry Genetics
Classification: Uncertain significance for Inborn genetic diseases. Last evaluated: 2017-12-18. Review status: criteria provided, single submitter. Criteria: Ambry Variant Classification Scheme 2023. Collection method: clinical testing. Allele origin: germline.
Comment: The c.-2C>T variant is located in the 5' untranslated region (5&rsquo; UTR) of the ANKRD11 gene. This variant results from a C to T substitution 2 bases upstream from the first translated codon. This nucleotide position is highly conserved in available vertebrate species. Since supporting evidence is limited at this time, the clinical significance of this alteration remains unclear.